The following is an entry in ClinVar:

ClinVar aggregate classification (germline): Uncertain significance (1 of 4 stars; one submission).

Conditions:
SHORT syndrome. Also called: SHORT STATURE, HYPEREXTENSIBILITY, HERNIA, OCULAR DEPRESSION, RIEGER ANOMALY, AND TEETHING DELAY; LIPODYSTROPHY, PARTIAL, WITH RIEGER ANOMALY AND SHORT STATURE; PIK3R1-Related SHORT Syndrome. Identifiers: Orphanet 3163, MedGen C0878684, MONDO:0010026, OMIM 269880.
Agammaglobulinemia 7, autosomal recessive (AGM7). Also called: AGAMMAGLOBULINEMIA, AUTOSOMAL RECESSIVE, DUE TO PIK3R1 DEFECT. Identifiers: MedGen C3554689, MONDO:0014083, OMIM 615214.
Immunodeficiency 36 with lymphoproliferation. Also called: Immunodeficiency 36; ACTIVATED PI3K-DELTA SYNDROME 2; Activated PI3K Delta Syndrome Type 2 (APDS2). Identifiers: Orphanet 397596, Orphanet 693681, MedGen C4014934, MONDO:0014453, OMIM 616005.

gnomAD v4.1: 1 of 1,610,770 alleles (0.000062%); highest among the groups gnomAD compares: Non-Finnish European, 0.000085%; no homozygotes.

Submission:

Labcorp Genetics (formerly Invitae), Labcorp
Classification: Uncertain significance for SHORT syndrome; Immunodeficiency 36 with lymphoproliferation; Agammaglobulinemia 7, autosomal recessive. Last evaluated: 2024-02-02. Review status: criteria provided, single submitter. Criteria: Invitae Variant Classification Sherloc (09022015). Collection method: clinical testing. Allele origin: germline.
Comment: This sequence change falls in intron 2 of the PIK3R1 gene. It does not directly change the encoded amino acid sequence of the PIK3R1 protein. This variant is not present in population databases (gnomAD no frequency). This variant has not been reported in the literature in individuals affected with PIK3R1-related conditions. Algorithms developed to predict the effect of sequence changes on RNA splicing suggest that this variant may disrupt the consensus splice site. In summary, the available evidence is currently insufficient to determine the role of this variant in disease. Therefore, it has been classified as a Variant of Uncertain Significance.

NM_181523.3(PIK3R1):c.335-15T>G

Gene: PIK3R1 (phosphoinositide-3-kinase regulatory subunit 1; plus strand). Cytogenetic location: 5q13.1.
Variant type: single nucleotide variant.
Coding change: c.335-15T>G on transcript NM_181523.3 (MANE Select); 15 bases into the intron before coding-DNA position 335, T replaced by G.
Molecular consequence: intron variant.
Genome position (GRCh38, 1-based): chr5:68,273,375, T>G. VCF-style: chr5-68273375-T-G. GRCh37 (hg19) VCF-style: chr5-67569203-T-G.
Identifiers: ClinVar variation 2921939 (VCV002921939.3), dbSNP rs775858762, ClinGen allele CA2578326511.
Genomic context (GRCh38, chr5:68,273,375, plus strand): 5'-TGTACGTCCTTCATTGTGGTCTAATGCATTCAACTATCCAAATTAAATACAATGGTGGGA[T>G]TTTGTTGTTTGCAGCTTTGACTCTCCCGGATCTTGCAGAGCAGTTTGCCCCTCCTGACAT-3'